The following is an entry in ClinVar:

ClinVar aggregate classification (germline): Benign/Likely benign. Review status: criteria provided, multiple submitters, no conflicts (2 of 4 stars). 2 submissions from 2 submitters: Benign (1); Likely benign (1). Last evaluated 2026-02-01.

Allele frequency attached by ClinVar (database versions not stated): gnomAD exomes below 0.00001; ExAC 0.00001; gnomAD 0.00001; TOPMed 0.00001.
gnomAD v4.1: 4 of 1,614,030 alleles (0.00025%); highest among the groups gnomAD compares: Admixed American, 0.005%; no homozygotes.

Submissions (2):

CeGaT Center for Human Genetics Tuebingen
Classification: Likely benign. Last evaluated: 2026-02-01. Review status: criteria provided, single submitter. Criteria: CeGaT Center For Human Genetics Tuebingen Variant Classification Criteria Version 2. Collection method: clinical testing. Allele origin: germline. Affected: yes. Observed: 1 variant allele.
Comment: SMARCA2: PP2, BS2

Labcorp Genetics (formerly Invitae), Labcorp
Classification: Benign. Last evaluated: 2024-04-15. Review status: criteria provided, single submitter. Criteria: Invitae Variant Classification Sherloc (09022015). Collection method: clinical testing. Allele origin: germline.

NM_003070.5(SMARCA2):c.2078A>G (p.Tyr693Cys)

Gene: SMARCA2 (SWI/SNF related BAF chromatin remodeling complex subunit ATPase 2; plus strand). Cytogenetic location: 9p24.3.
Variant type: single nucleotide variant.
Coding change: c.2078A>G on transcript NM_003070.5 (MANE Select); coding-DNA position 2078, A replaced by G.
Protein change: p.Tyr693Cys; replaces tyrosine 693 with cysteine.
Molecular consequence: missense variant.
Genome position (GRCh38, 1-based): chr9:2,077,670, A>G. VCF-style: chr9-2077670-A-G. GRCh37 (hg19) VCF-style: chr9-2077670-A-G.
Other names: c.2078A>G, p.Tyr693Cys (NM_001289396.2, NM_001289397.2, NM_139045.4); short protein forms Y693C.
Identifiers: ClinVar variation 2796924 (VCV002796924.7), dbSNP rs762457016, ClinGen allele CA4963380.
Genomic context (GRCh38, chr9:2,077,670, plus strand): 5'-CCACTTTTTCCTTTCCCAGGACAGCTAAGCAAGACGTGGATGATGAATACAGCATGCAGT[A>G]CAGTGCCAGGGGCTCCCAGTCCTACTACACCGTGGCTCATGCCATCTCGGAGAGGGTGGA-3'
Protein context (NP_003061.3, residues 683-703): QDVDDEYSMQ[Tyr693Cys]SARGSQSYYT